The following is an entry in ClinVar:

NM_001244926.2(PRPF4):c.1189C>T (p.Arg397Cys)

Gene: PRPF4 (pre-mRNA splicing tri-snRNP complex factor PRPF4; plus strand). Cytogenetic location: 9q32.
Variant type: single nucleotide variant.
Coding change: c.1189C>T on transcript NM_001244926.2 (MANE Select); coding-DNA position 1189, C replaced by T.
Protein change: p.Arg397Cys; replaces arginine 397 with cysteine.
Molecular consequence: missense variant. On other transcripts: non-coding transcript variant (2).
Genome position (GRCh38, 1-based): chr9:113,290,743, C>T. VCF-style: chr9-113290743-C-T. GRCh37 (hg19) VCF-style: chr9-116053023-C-T.
Other names: c.463C>T, p.Arg155Cys (NM_001322266.2, NM_001322267.2); c.1192C>T, p.Arg398Cys (NM_004697.5); short protein forms R397C, R155C, R398C.
Identifiers: ClinVar variation 1045164 (VCV001045164.8), dbSNP rs187861419, ClinGen allele CA5195115.

ClinVar aggregate classification (germline): Conflicting classifications of pathogenicity. Review status: criteria provided, conflicting classifications (1 of 4 stars). 2 submissions from 2 submitters: Uncertain significance (1); Likely benign (1). Last evaluated 2025-12-01.

Allele frequency attached by ClinVar (database versions not stated): ExAC 0.00001; gnomAD 0.00001 and 0.00003; TOPMed 0.00002; gnomAD exomes 0.00004; 1000 Genomes Project 0.00040; 1000 Genomes Project 30x 0.00047.
gnomAD v4.1: 23 of 1,614,082 alleles (0.0014%); highest among the groups gnomAD compares: Admixed American, 0.018%; 1 homozygote.

Submissions (2):

Labcorp Genetics (formerly Invitae), Labcorp
Classification: Uncertain significance. Last evaluated: 2025-12-01. Review status: criteria provided, single submitter. Criteria: Invitae Variant Classification Sherloc (09022015). Collection method: clinical testing. Allele origin: germline.
Comment: This sequence change replaces arginine, which is basic and polar, with cysteine, which is neutral and slightly polar, at codon 398 of the PRPF4 protein (p.Arg398Cys). This variant is present in population databases (rs187861419, gnomAD 0.02%). This variant has not been reported in the literature in individuals affected with PRPF4-related conditions. ClinVar contains an entry for this variant (Variation ID: 1045164). An algorithm developed to predict the effect of missense changes on protein structure and function (PolyPhen-2) suggests that this variant is likely to be disruptive. In summary, the available evidence is currently insufficient to determine the role of this variant in disease. Therefore, it has been classified as a Variant of Uncertain Significance.

Blueprint Genetics
Classification: Likely benign. Last evaluated: 2022-08-03. Review status: criteria provided, single submitter. Criteria: ACMG Guidelines, 2015. Collection method: clinical testing. Allele origin: germline.